The following is an entry in ClinVar:

NM_001242896.3(DEPDC5):c.1175G>C (p.Arg392Pro)

Gene: DEPDC5 (DEP domain containing 5, GATOR1 subcomplex subunit; plus strand). Cytogenetic location: 22q12.3.
Variant type: single nucleotide variant.
Coding change: c.1175G>C on transcript NM_001242896.3 (MANE Select); coding-DNA position 1175, G replaced by C.
Protein change: p.Arg392Pro; replaces arginine 392 with proline.
Molecular consequence: missense variant. On other transcripts: non-coding transcript variant (5).
Genome position (GRCh38, 1-based): chr22:31,804,873, G>C. VCF-style: chr22-31804873-G-C. GRCh37 (hg19) VCF-style: chr22-32200859-G-C.
Other names: c.1175G>C, p.Arg392Pro (NM_001007188.4, NM_001136029.4, NM_001242897.2 and 7 more transcripts); c.1091G>C, p.Arg364Pro (NM_001369901.1, NM_001369902.1); c.1175G>C (NM_001242896.1); short protein forms R364P, R392P.
Identifiers: ClinVar variation 2726685 (VCV002726685.21), dbSNP rs575467056, ClinGen allele CA323356105.

ClinVar aggregate classification (germline): Uncertain significance. Review status: criteria provided, multiple submitters, no conflicts (2 of 4 stars). 3 submissions from 3 submitters: Uncertain significance (3). Last evaluated 2025-04-07.

Conditions:
Familial focal epilepsy with variable foci (FPEVF). Identifiers: Orphanet 98820, MedGen C1858477, MONDO:0020310.

gnomAD v4.1: 2 of 1,613,934 alleles (0.00012%); highest among the groups gnomAD compares: East Asian, 0.0022%; no homozygotes.

Submissions (3):

GeneDx
Classification: Uncertain significance. Last evaluated: 2025-04-07. Review status: criteria provided, single submitter. Criteria: GeneDx Variant Classification Process June 2021. Collection method: clinical testing. Allele origin: germline. Affected: yes.
Comment: Not observed at significant frequency in large population cohorts (gnomAD); In silico analysis indicates that this missense variant does not alter protein structure/function; Has not been previously published as pathogenic or benign to our knowledge

CeGaT Center for Human Genetics Tuebingen
Classification: Uncertain significance. Last evaluated: 2024-06-01. Review status: criteria provided, single submitter. Criteria: CeGaT Center For Human Genetics Tuebingen Variant Classification Criteria Version 2. Collection method: clinical testing. Allele origin: germline. Affected: yes. Observed: 1 variant allele.

Labcorp Genetics (formerly Invitae), Labcorp
Classification: Uncertain significance for Familial focal epilepsy with variable foci. Last evaluated: 2023-04-13. Review status: criteria provided, single submitter. Criteria: Invitae Variant Classification Sherloc (09022015). Collection method: clinical testing. Allele origin: germline.
Comment: In summary, the available evidence is currently insufficient to determine the role of this variant in disease. Therefore, it has been classified as a Variant of Uncertain Significance. Experimental studies and prediction algorithms are not available or were not evaluated, and the functional significance of this variant is currently unknown. This variant has not been reported in the literature in individuals affected with DEPDC5-related conditions. This variant is not present in population databases (gnomAD no frequency). This sequence change replaces arginine, which is basic and polar, with proline, which is neutral and non-polar, at codon 392 of the DEPDC5 protein (p.Arg392Pro).